The following is an entry in ClinVar:

ClinVar aggregate classification (germline): Uncertain significance. Review status: criteria provided, multiple submitters, no conflicts (2 of 4 stars). 3 submissions from 3 submitters: Uncertain significance (3). Last evaluated 2025-02-05.

Conditions:
Dyskeratosis congenita. Identifiers: Orphanet 1775, MedGen C0265965, MONDO:0015780.

Submissions (3):

Revvity Omics, Revvity
Classification: Uncertain significance. Last evaluated: 2025-02-05. Review status: criteria provided, single submitter. Criteria: ACMG Guidelines, 2015. Collection method: clinical testing. Allele origin: germline.

Labcorp Genetics (formerly Invitae), Labcorp
Classification: Uncertain significance for Dyskeratosis congenita. Last evaluated: 2022-02-24. Review status: criteria provided, single submitter. Criteria: Invitae Variant Classification Sherloc (09022015). Collection method: clinical testing. Allele origin: germline.
Comment: In summary, the available evidence is currently insufficient to determine the role of this variant in disease. Therefore, it has been classified as a Variant of Uncertain Significance. Algorithms developed to predict the effect of missense changes on protein structure and function are either unavailable or do not agree on the potential impact of this missense change (SIFT: "Deleterious"; PolyPhen-2: "Probably Damaging"; Align-GVGD: "Class C15"). This sequence change replaces asparagine, which is neutral and polar, with tyrosine, which is neutral and polar, at codon 93 of the DKC1 protein (p.Asn93Tyr). This variant is not present in population databases (gnomAD no frequency). This variant has not been reported in the literature in individuals affected with DKC1-related conditions. ClinVar contains an entry for this variant (Variation ID: 1304377).

GeneDx
Classification: Uncertain significance. Last evaluated: 2021-03-15. Review status: criteria provided, single submitter. Criteria: GeneDx Variant Classification Process June 2021. Collection method: clinical testing. Allele origin: germline. Affected: yes.
Comment: Not observed in large population cohorts (Lek et al., 2016); In silico analysis supports that this missense variant has a deleterious effect on protein structure/function; Has not been previously published as pathogenic or benign to our knowledge

NM_001363.5(DKC1):c.277A>T (p.Asn93Tyr)

Gene: DKC1 (dyskerin pseudouridine synthase 1; plus strand). Cytogenetic location: Xq28.
Variant type: single nucleotide variant.
Coding change: c.277A>T on transcript NM_001363.5 (MANE Select); coding-DNA position 277, A replaced by T.
Protein change: p.Asn93Tyr; replaces asparagine 93 with tyrosine.
Molecular consequence: missense variant. On other transcripts: non-coding transcript variant (3).
Genome position (GRCh38, 1-based): chrX:154,766,229, A>T. VCF-style: chrX-154766229-A-T. GRCh37 (hg19) VCF-style: chrX-153994504-A-T.
Other names: c.277A>T, p.Asn93Tyr (NM_001142463.3, NM_001288747.2); short protein forms N93Y.
Identifiers: ClinVar variation 1304377 (VCV001304377.8), dbSNP rs2148509897, ClinGen allele CA414889552.
Genomic context (GRCh38, chrX:154,766,229, plus strand): 5'-AGCATTAAGAGTGGGTGATACATTAATTTTTTTTTTTTCCATTCCAGGACAGGTTTCATT[A>T]ATCTTGACAAGCCCTCTAACCCCTCTTCCCATGAGGTGGTAGCCTGGATTCGACGGATAC-3'
Protein context (NP_001354.1, residues 83-103): IGDYIRTGFI[Asn93Tyr]LDKPSNPSSH